The following is an entry in ClinVar:

NM_001042492.3(NF1):c.901G>A (p.Asp301Asn)

Gene: NF1 (neurofibromin 1; plus strand). Cytogenetic location: 17q11.2.
Variant type: single nucleotide variant.
Coding change: c.901G>A on transcript NM_001042492.3 (MANE Select); coding-DNA position 901, G replaced by A.
Protein change: p.Asp301Asn; replaces aspartic acid 301 with asparagine.
Molecular consequence: missense variant.
Genome position (GRCh38, 1-based): chr17:31,200,434, G>A. VCF-style: chr17-31200434-G-A. GRCh37 (hg19) VCF-style: chr17-29527452-G-A.
Other names: c.901G>A, p.Asp301Asn (NM_000267.4, NM_001128147.3); short protein forms D301N.
Identifiers: ClinVar variation 853674 (VCV000853674.13), dbSNP rs2066505718, ClinGen allele CA398995530.

ClinVar aggregate classification (germline): Conflicting classifications of pathogenicity. Review status: criteria provided, conflicting classifications (1 of 4 stars). 5 submissions from 5 submitters: Uncertain significance (4); Likely benign (1). Last evaluated 2025-01-10.

Conditions:
Juvenile myelomonocytic leukemia (JMML). Also called: LEUKEMIA, JUVENILE MYELOMONOCYTIC, SOMATIC. Identifiers: Orphanet 86834, MedGen C0349639, MONDO:0011908, OMIM 607785, HP:0012209.
Neurofibromatosis, type 1 (NF1). Also called: Neurofibromatosis, type I; VON RECKLINGHAUSEN DISEASE; Peripheral type neurofibromatosis; NEUROFIBROMATOSIS, TYPE I, SOMATIC. Identifiers: Orphanet 636, MedGen C0027831, MONDO:0018975, OMIM 162200. Disease mechanism: loss of function.
Cardiovascular phenotype. Identifiers: MedGen CN230736.
Hereditary cancer-predisposing syndrome. Also called: Neoplastic Syndromes, Hereditary; Hereditary Cancer Syndrome; Hereditary neoplastic syndrome; Tumor predisposition. Identifiers: Orphanet 140162, MedGen C0027672, MeSH D009386, MONDO:0015356.

Allele frequency attached by ClinVar (database versions not stated): gnomAD exomes below 0.00001.
gnomAD v4.1: 1 of 1,613,956 alleles (0.000062%); highest among the groups gnomAD compares: Non-Finnish European, 0.000085%; no homozygotes.

Submissions (5):

Ambry Genetics
Classification: Likely benign for Cardiovascular phenotype; Hereditary cancer-predisposing syndrome. Last evaluated: 2025-01-10. Review status: criteria provided, single submitter. Criteria: Ambry Variant Classification Scheme 2023. Collection method: clinical testing. Allele origin: germline.

Baylor Genetics
Classification: Uncertain significance for Juvenile myelomonocytic leukemia. Last evaluated: 2023-08-24. Review status: criteria provided, single submitter. Criteria: ACMG Guidelines, 2015. Collection method: clinical testing. Allele origin: unknown.

Labcorp Genetics (formerly Invitae), Labcorp
Classification: Uncertain significance for Neurofibromatosis, type 1. Last evaluated: 2023-05-11. Review status: criteria provided, single submitter. Criteria: Invitae Variant Classification Sherloc (09022015). Collection method: clinical testing. Allele origin: germline.
Comment: In summary, the available evidence is currently insufficient to determine the role of this variant in disease. Therefore, it has been classified as a Variant of Uncertain Significance. RNA analysis performed to evaluate the impact of this missense change on mRNA splicing indicates it does not significantly alter splicing (Invitae). Advanced modeling of protein sequence and biophysical properties (such as structural, functional, and spatial information, amino acid conservation, physicochemical variation, residue mobility, and thermodynamic stability) performed at Invitae indicates that this missense variant is expected to disrupt NF1 protein function. ClinVar contains an entry for this variant (Variation ID: 853674). This variant has not been reported in the literature in individuals affected with NF1-related conditions. This variant is not present in population databases (gnomAD no frequency). This sequence change replaces aspartic acid, which is acidic and polar, with asparagine, which is neutral and polar, at codon 301 of the NF1 protein (p.Asp301Asn).

Genome-Nilou Lab
Classification: Uncertain significance for Neurofibromatosis, type 1. Last evaluated: 2022-03-15. Review status: criteria provided, single submitter. Criteria: ACMG Guidelines, 2015. Collection method: clinical testing. Allele origin: germline. Affected: no.

GeneDx
Classification: Uncertain significance. Last evaluated: 2019-10-29. Review status: criteria provided, single submitter. Criteria: GeneDx Variant Classification Process June 2021. Collection method: clinical testing. Allele origin: germline. Affected: yes.
Comment: Not observed in large population cohorts (Lek 2016); In silico analysis, which includes protein predictors and evolutionary conservation, supports a deleterious effect; Has not been previously published as pathogenic or benign to our knowledge